The following is an entry in ClinVar:

NM_007214.5(SEC63):c.2056C>G (p.Pro686Ala)

Gene: SEC63 (SEC63 protein translocation regulator; minus strand). Cytogenetic location: 6q21.
Variant type: single nucleotide variant.
Coding change: c.2056C>G on transcript NM_007214.5 (MANE Select); coding-DNA position 2056, C replaced by G.
Protein change: p.Pro686Ala; replaces proline 686 with alanine.
Molecular consequence: missense variant.
Genome position (GRCh38, 1-based): chr6:107,872,891, G>C on the plus strand (C>G on the coding strand, the complement: SEC63 is on the minus strand). VCF-style: chr6-107872891-G-C. GRCh37 (hg19) VCF-style: chr6-108194095-G-C.
Other names: c.2056C>G (NM_007214.4); short protein forms P686A.
Identifiers: ClinVar variation 2710443 (VCV002710443.4), dbSNP rs1324787721, ClinGen allele CA365328631.

ClinVar aggregate classification (germline): Conflicting classifications of pathogenicity. Review status: criteria provided, conflicting classifications (1 of 4 stars). 2 submissions from 2 submitters: Uncertain significance (1); Likely benign (1). Last evaluated 2025-08-15.

Conditions:
Inborn genetic diseases. Identifiers: MedGen C0950123, MeSH D030342.

Allele frequency attached by ClinVar (database versions not stated): gnomAD exomes below 0.00001.
gnomAD v4.1: 6 of 1,550,002 alleles (0.00039%); highest among the groups gnomAD compares: Admixed American, 0.012%; no homozygotes.

Submissions (2):

Ambry Genetics
Classification: Likely benign for Inborn genetic diseases. Last evaluated: 2025-08-15. Review status: criteria provided, single submitter. Criteria: Ambry Variant Classification Scheme 2023. Collection method: clinical testing. Allele origin: germline.

Labcorp Genetics (formerly Invitae), Labcorp
Classification: Uncertain significance. Last evaluated: 2024-05-15. Review status: criteria provided, single submitter. Criteria: Invitae Variant Classification Sherloc (09022015). Collection method: clinical testing. Allele origin: germline.
Comment: This sequence change replaces proline, which is neutral and non-polar, with alanine, which is neutral and non-polar, at codon 686 of the SEC63 protein (p.Pro686Ala). This variant is present in population databases (no rsID available, gnomAD 0.02%). This variant has not been reported in the literature in individuals affected with SEC63-related conditions. An algorithm developed to predict the effect of missense changes on protein structure and function (PolyPhen-2) suggests that this variant is likely to be disruptive. In summary, the available evidence is currently insufficient to determine the role of this variant in disease. Therefore, it has been classified as a Variant of Uncertain Significance.